The following is an entry in ClinVar:

NM_004525.3(LRP2):c.2450C>T (p.Thr817Met)

Gene: LRP2 (LDL receptor related protein 2; minus strand). Cytogenetic location: 2q31.1.
Variant type: single nucleotide variant.
Coding change: c.2450C>T on transcript NM_004525.3 (MANE Select); coding-DNA position 2450, C replaced by T.
Protein change: p.Thr817Met; replaces threonine 817 with methionine.
Molecular consequence: missense variant.
Genome position (GRCh38, 1-based): chr2:169,259,088, G>A on the plus strand (C>T on the coding strand, the complement: LRP2 is on the minus strand). VCF-style: chr2-169259088-G-A. GRCh37 (hg19) VCF-style: chr2-170115598-G-A.
Other names: short protein forms T817M.
Identifiers: ClinVar variation 332190 (VCV000332190.7), dbSNP rs147791791, ClinGen allele CA1955298.

ClinVar aggregate classification (germline): Uncertain significance. Review status: criteria provided, multiple submitters, no conflicts (2 of 4 stars). 2 submissions from 2 submitters: Uncertain significance (2). Last evaluated 2022-09-07.

Conditions:
Donnai-Barrow syndrome. Also called: DBS/FOAR SYNDROME; FACIOOCULOACOUSTICORENAL SYNDROME. Identifiers: Orphanet 2143, MedGen C1857277, MONDO:0009104, OMIM 222448.

Allele frequency attached by ClinVar (database versions not stated): gnomAD 0.00002; ExAC 0.00004; gnomAD exomes 0.00004; ESP Exome Variant Server 0.00008.
gnomAD v4.1: 57 of 1,613,336 alleles (0.0035%); highest among the groups gnomAD compares: Non-Finnish European, 0.0045%; no homozygotes.

Submissions (2):

Labcorp Genetics (formerly Invitae), Labcorp
Classification: Uncertain significance. Last evaluated: 2022-09-07. Review status: criteria provided, single submitter. Criteria: Invitae Variant Classification Sherloc (09022015). Collection method: clinical testing. Allele origin: germline.
Comment: This sequence change replaces threonine, which is neutral and polar, with methionine, which is neutral and non-polar, at codon 817 of the LRP2 protein (p.Thr817Met). This variant is present in population databases (rs147791791, gnomAD 0.01%). This variant has not been reported in the literature in individuals affected with LRP2-related conditions. ClinVar contains an entry for this variant (Variation ID: 332190). Advanced modeling of protein sequence and biophysical properties (such as structural, functional, and spatial information, amino acid conservation, physicochemical variation, residue mobility, and thermodynamic stability) performed at Invitae indicates that this missense variant is not expected to disrupt LRP2 protein function. In summary, the available evidence is currently insufficient to determine the role of this variant in disease. Therefore, it has been classified as a Variant of Uncertain Significance.

Illumina Laboratory Services, Illumina
Classification: Uncertain significance for Donnai-Barrow syndrome. Last evaluated: 2018-01-12. Review status: criteria provided, single submitter. Criteria: ICSL Variant Classification Criteria 13 December 2019. Collection method: clinical testing. Allele origin: germline.